The following is an entry in ClinVar:

NM_020435.4(GJC2):c.746C>T (p.Pro249Leu)

Gene: GJC2 (gap junction protein gamma 2; plus strand). Cytogenetic location: 1q42.13.
Variant type: single nucleotide variant.
Coding change: c.746C>T on transcript NM_020435.4 (MANE Select); coding-DNA position 746, C replaced by T.
Protein change: p.Pro249Leu; replaces proline 249 with leucine.
Molecular consequence: missense variant.
Genome position (GRCh38, 1-based): chr1:228,158,504, C>T. VCF-style: chr1-228158504-C-T. GRCh37 (hg19) VCF-style: chr1-228346205-C-T.
Other names: short protein forms P249L.
Identifiers: ClinVar variation 3336781 (VCV003336781.2).
Genomic context (GRCh38, chr1:228,158,504, plus strand): 5'-TGGGCCAGTACCTGCTGTACGGCTTCGAGGTGCGACCGTTCTTTCCCTGCAGCCGCCAGC[C>T]CTGCCCGCACGTGGTGGACTGCTTCGTGTCGCGCCCTACTGAAAAGACGGTCTTCCTGCT-3'
Protein context (NP_065168.2, residues 239-259): VRPFFPCSRQ[Pro249Leu]CPHVVDCFVS

ClinVar aggregate classification (germline): Uncertain significance (1 of 4 stars; one submission).

Conditions:
Leukodystrophy, hypomyelinating, 2. Also called: PELIZAEUS-MERZBACHER-LIKE DISEASE, 1. Identifiers: Orphanet 280270, Orphanet 280282, MedGen C1837355, MONDO:0012125, OMIM 608804.

Submission:

Molecular Diagnostics Lab, Nemours Children's Health, Delaware
Classification: Uncertain significance for Leukodystrophy, hypomyelinating, 2. Last evaluated: 2021-04-20. Review status: criteria provided, single submitter. Criteria: ACMG Guidelines, 2015. Collection method: clinical testing. Allele origin: unknown. Inheritance: Autosomal recessive inheritance. Affected: yes. Observed: 2 compound heterozygotes.
Comment: This missense variant (c.746C>T, p.Pro249Leu) has not been observed in population databases (gnomAD) and has not been reported in the literature. Variant prediction programs suggest a deleterious effect, but no functional studies have been published.

Literature cited by the submitters: PubMed 2368670.